The following is an entry in ClinVar:

ClinVar aggregate classification (germline): Uncertain significance (1 of 4 stars; one submission).

Conditions:
Inborn genetic diseases. Identifiers: MedGen C0950123, MeSH D030342.

Submission:

Ambry Genetics
Classification: Uncertain significance for Inborn genetic diseases. Last evaluated: 2025-03-20. Review status: criteria provided, single submitter. Criteria: Ambry Variant Classification Scheme 2023. Collection method: clinical testing. Allele origin: germline.
Comment: The p.A1006T variant (also known as c.3016G>A), located in coding exon 17 of the RECQL4 gene, results from a G to A substitution at nucleotide position 3016. The alanine at codon 1006 is replaced by threonine, an amino acid with similar properties. This amino acid position is conserved. Based on the available evidence, the clinical significance of this variant remains unclear.

NM_004260.4(RECQL4):c.3016G>A (p.Ala1006Thr)

Gene: RECQL4 (RecQ like helicase 4; minus strand). Cytogenetic location: 8q24.3.
Variant type: single nucleotide variant.
Coding change: c.3016G>A on transcript NM_004260.4 (MANE Select); coding-DNA position 3016, G replaced by A.
Protein change: p.Ala1006Thr; replaces alanine 1006 with threonine.
Molecular consequence: missense variant. On other transcripts: non-coding transcript variant (3).
Genome position (GRCh38, 1-based): chr8:144,512,431, C>T on the plus strand (G>A on the coding strand, the complement: RECQL4 is on the minus strand). VCF-style: chr8-144512431-C-T. GRCh37 (hg19) VCF-style: chr8-145737814-C-T.
Other names: c.2722G>A, p.Ala908Thr (NM_001413017.1); c.2818G>A, p.Ala940Thr (NM_001413018.1); c.3091G>A, p.Ala1031Thr (NM_001413019.1); c.2920G>A, p.Ala974Thr (NM_001413020.1); c.1945G>A, p.Ala649Thr (NM_001413021.1, NM_001413022.1, NM_001413024.1 and 4 more transcripts); c.2020G>A, p.Ala674Thr (NM_001413023.1); c.2887G>A, p.Ala963Thr (NM_001413025.1); c.1879G>A, p.Ala627Thr (NM_001413027.1, NM_001413030.1, NM_001413032.1); and 9 more; short protein forms A1006T, A627T, A652T, A974T, A996T, A517T, A583T, A605T.
Identifiers: ClinVar variation 3944241 (VCV003944241.1).